The following is an entry in ClinVar:

NM_000553.6(WRN):c.3699T>G (p.Phe1233Leu)

Gene: WRN (WRN RecQ like helicase; plus strand). Cytogenetic location: 8p12.
Variant type: single nucleotide variant.
Coding change: c.3699T>G on transcript NM_000553.6 (MANE Select); coding-DNA position 3699, T replaced by G.
Protein change: p.Phe1233Leu; replaces phenylalanine 1233 with leucine.
Molecular consequence: missense variant.
Genome position (GRCh38, 1-based): chr8:31,154,635, T>G. VCF-style: chr8-31154635-T-G. GRCh37 (hg19) VCF-style: chr8-31012151-T-G.
Other names: c.3699T>G (NM_000553.4); short protein forms F1233L.
Identifiers: ClinVar variation 1446208 (VCV001446208.6), dbSNP rs761162177, ClinGen allele CA4705163.
Genomic context (GRCh38, chr8:31,154,635, plus strand): 5'-TATTGTATTGATATTACTGATCATTTGTGCTACATTAAAAATTCTGTAGACAGACCTCTT[T>G]TCAAGTACAAAACCTCAAGAAGAACAGAAGACGAGTCTGGTAGCAAAAAATAAAATATGC-3'
Protein context (NP_000544.2, residues 1223-1243): CQTNSVQTDL[Phe1233Leu]SSTKPQEEQK

ClinVar aggregate classification (germline): Uncertain significance. Review status: criteria provided, multiple submitters, no conflicts (2 of 4 stars). 2 submissions from 2 submitters: Uncertain significance (2). Last evaluated 2025-05-12.

Conditions:
Inborn genetic diseases. Identifiers: MedGen C0950123, MeSH D030342.
Werner syndrome (WRN). Identifiers: Orphanet 902, MedGen C0043119, MONDO:0010196, OMIM 277700.

Allele frequency attached by ClinVar (database versions not stated): gnomAD exomes below 0.00001 and 0.00001; TOPMed below 0.00001; ExAC 0.00001; gnomAD 0.00001.
gnomAD v4.1: 4 of 1,612,744 alleles (0.00025%); highest among the groups gnomAD compares: East Asian, 0.0089%; no homozygotes.

Submissions (2):

Labcorp Genetics (formerly Invitae), Labcorp
Classification: Uncertain significance for Werner syndrome. Last evaluated: 2025-05-12. Review status: criteria provided, single submitter. Criteria: Invitae Variant Classification Sherloc (09022015). Collection method: clinical testing. Allele origin: germline.
Comment: This sequence change replaces phenylalanine, which is neutral and non-polar, with leucine, which is neutral and non-polar, at codon 1233 of the WRN protein (p.Phe1233Leu). This variant is present in population databases (rs761162177, gnomAD 0.02%). This variant has not been reported in the literature in individuals affected with WRN-related conditions. ClinVar contains an entry for this variant (Variation ID: 1446208). An algorithm developed to predict the effect of missense changes on protein structure and function outputs the following: PolyPhen-2: "Benign". The leucine amino acid residue is found in multiple mammalian species, which suggests that this missense change does not adversely affect protein function. In summary, the available evidence is currently insufficient to determine the role of this variant in disease. Therefore, it has been classified as a Variant of Uncertain Significance.

Ambry Genetics
Classification: Uncertain significance for Inborn genetic diseases. Last evaluated: 2025-02-12. Review status: criteria provided, single submitter. Criteria: Ambry Variant Classification Scheme 2023. Collection method: clinical testing. Allele origin: germline.